The following is an entry in ClinVar:

NM_000193.4(SHH):c.589G>A (p.Gly197Ser)

Gene: SHH (sonic hedgehog signaling molecule; minus strand). Cytogenetic location: 7q36.3.
Variant type: single nucleotide variant.
Coding change: c.589G>A on transcript NM_000193.4 (MANE Select); coding-DNA position 589, G replaced by A.
Protein change: p.Gly197Ser; replaces glycine 197 with serine.
Molecular consequence: missense variant. On other transcripts: intron variant (1).
Genome position (GRCh38, 1-based): chr7:155,803,700, C>T on the plus strand (G>A on the coding strand, the complement: SHH is on the minus strand). VCF-style: chr7-155803700-C-T. GRCh37 (hg19) VCF-style: chr7-155596394-C-T.
Other names: c.301+2596G>A (NM_001310462.2); short protein forms G197S.
Identifiers: ClinVar variation 3908031 (VCV003908031.1).
Genomic context (GRCh38, chr7:155,803,700, plus strand): 5'-CCTTCACCAGCTTGGTGCCGCCCTGCTCCAGGTGCACCGTGGCCGAGCCCGGGAAGCAGC[C>T]TCCCGATTTGGCCGCCACCGAGTTCTCTGCGGGTGAGGAGAAGGGAAAGAAGAGAGGACA-3'
Protein context (NP_000184.1, residues 187-207): AENSVAAKSG[Gly197Ser]CFPGSATVHL

ClinVar aggregate classification (germline): Uncertain significance (1 of 4 stars; one submission).

Submission:

GeneDx
Classification: Uncertain significance. Last evaluated: 2024-12-27. Review status: criteria provided, single submitter. Criteria: GeneDx Variant Classification Process June 2021. Collection method: clinical testing. Allele origin: germline. Affected: yes.
Comment: Not observed at significant frequency in large population cohorts (gnomAD); In silico analysis supports that this missense variant has a deleterious effect on protein structure/function; Has not been previously published as pathogenic or benign to our knowledge